The following is an entry in ClinVar:

NM_000180.4(GUCY2D):c.3128C>T (p.Thr1043Met)

Gene: GUCY2D (guanylate cyclase 2D, retinal; plus strand). Cytogenetic location: 17p13.1.
Variant type: single nucleotide variant.
Coding change: c.3128C>T on transcript NM_000180.4 (MANE Select); coding-DNA position 3128, C replaced by T.
Protein change: p.Thr1043Met; replaces threonine 1043 with methionine.
Molecular consequence: missense variant.
Genome position (GRCh38, 1-based): chr17:8,016,011, C>T. VCF-style: chr17-8016011-C-T. GRCh37 (hg19) VCF-style: chr17-7919329-C-T.
Other names: c.3128C>T (NM_000180.3); short protein forms T1043M.
Identifiers: ClinVar variation 1366922 (VCV001366922.5), dbSNP rs1289590584, ClinGen allele CA397955841.

ClinVar aggregate classification (germline): Uncertain significance (1 of 4 stars; one submission).

Conditions:
Cone-rod dystrophy 6 (CORD6). Also called: Cone dystrophy progressive; RETINAL CONE DYSTROPHY 2. Identifiers: Orphanet 1872, MedGen C1866293, MONDO:0011143, OMIM 601777.
Leber congenital amaurosis 1 (LCA1). Also called: AMAUROSIS CONGENITA OF LEBER I; RETINAL BLINDNESS, CONGENITAL; Congenital absence of the rods and cones; Leber's congenital tapetoretinal degeneration; Leber's congenital tapetoretinal dysplasia. Identifiers: Orphanet 65, MedGen C2931258, MONDO:0008764, OMIM 204000.
Night blindness, congenital stationary, type1i. Also called: NIGHT BLINDNESS, CONGENITAL STATIONARY, TYPE 1I. Identifiers: MedGen C5231408, MONDO:0032811, OMIM 618555.

Submission:

Labcorp Genetics (formerly Invitae), Labcorp
Classification: Uncertain significance for Leber congenital amaurosis 1; Cone-rod dystrophy 6. Last evaluated: 2025-07-28. Review status: criteria provided, single submitter. Criteria: Invitae Variant Classification Sherloc (09022015). Collection method: clinical testing. Allele origin: germline.
Comment: This sequence change replaces threonine, which is neutral and polar, with methionine, which is neutral and non-polar, at codon 1043 of the GUCY2D protein (p.Thr1043Met). This variant is not present in population databases (gnomAD no frequency). This variant has not been reported in the literature in individuals affected with GUCY2D-related conditions. ClinVar contains an entry for this variant (Variation ID: 1366922). Invitae Evidence Modeling of protein sequence and biophysical properties (such as structural, functional, and spatial information, amino acid conservation, physicochemical variation, residue mobility, and thermodynamic stability) has been performed for this missense variant. However, the output from this modeling did not meet the statistical confidence thresholds required to predict the impact of this variant on GUCY2D protein function. In summary, the available evidence is currently insufficient to determine the role of this variant in disease. Therefore, it has been classified as a Variant of Uncertain Significance.